The following is an entry in ClinVar:

NM_058179.4(PSAT1):c.175C>G (p.Leu59Val)

Gene: PSAT1 (phosphoserine aminotransferase 1; plus strand). Cytogenetic location: 9q21.2.
Variant type: single nucleotide variant.
Coding change: c.175C>G on transcript NM_058179.4 (MANE Select); coding-DNA position 175, C replaced by G.
Protein change: p.Leu59Val; replaces leucine 59 with valine.
Molecular consequence: missense variant.
Genome position (GRCh38, 1-based): chr9:78,302,007, C>G. VCF-style: chr9-78302007-C-G. GRCh37 (hg19) VCF-style: chr9-80916923-C-G.
Other names: c.175C>G, p.Leu59Val (NM_021154.5); short protein forms L59V.
Identifiers: ClinVar variation 1467455 (VCV001467455.8), dbSNP rs1433777844, ClinGen allele CA373871933.

ClinVar aggregate classification (germline): Uncertain significance (1 of 4 stars; one submission).

Conditions:
Neu-Laxova syndrome 2. Identifiers: Orphanet 2671, Orphanet 583602, MedGen C4015019, MONDO:0014466, OMIM 616038.

Submission:

Labcorp Genetics (formerly Invitae), Labcorp
Classification: Uncertain significance for Neu-Laxova syndrome 2. Last evaluated: 2024-01-19. Review status: criteria provided, single submitter. Criteria: Invitae Variant Classification Sherloc (09022015). Collection method: clinical testing. Allele origin: germline.
Comment: This sequence change replaces leucine, which is neutral and non-polar, with valine, which is neutral and non-polar, at codon 59 of the PSAT1 protein (p.Leu59Val). This variant is not present in population databases (gnomAD no frequency). This variant has not been reported in the literature in individuals affected with PSAT1-related conditions. ClinVar contains an entry for this variant (Variation ID: 1467455). Advanced modeling of protein sequence and biophysical properties (such as structural, functional, and spatial information, amino acid conservation, physicochemical variation, residue mobility, and thermodynamic stability) performed at Invitae indicates that this missense variant is not expected to disrupt PSAT1 protein function with a negative predictive value of 80%. In summary, the available evidence is currently insufficient to determine the role of this variant in disease. Therefore, it has been classified as a Variant of Uncertain Significance.